The following is an entry in ClinVar:

ClinVar aggregate classification (germline): Conflicting classifications of pathogenicity. Review status: criteria provided, conflicting classifications (1 of 4 stars). 2 submissions from 2 submitters: Uncertain significance (1); Likely benign (1). Last evaluated 2023-10-02.

Conditions:
Inborn genetic diseases. Identifiers: MedGen C0950123, MeSH D030342.
Spastic paraplegia. Identifiers: MedGen C0037772, HP:0001258.

Allele frequency attached by ClinVar (database versions not stated): ExAC 0.00004; gnomAD exomes 0.00004; gnomAD 0.00006; TOPMed 0.00007; ESP Exome Variant Server 0.00015.
gnomAD v4.1: 65 of 1,613,804 alleles (0.004%); highest among the groups gnomAD compares: Non-Finnish European, 0.0052%; no homozygotes.

Submissions (2):

Ambry Genetics
Classification: Likely benign for Inborn genetic diseases. Last evaluated: 2023-10-02. Review status: criteria provided, single submitter. Criteria: Ambry Variant Classification Scheme 2023. Collection method: clinical testing. Allele origin: germline.

Labcorp Genetics (formerly Invitae), Labcorp
Classification: Uncertain significance for Spastic paraplegia. Last evaluated: 2023-05-16. Review status: criteria provided, single submitter. Criteria: Invitae Variant Classification Sherloc (09022015). Collection method: clinical testing. Allele origin: germline.
Comment: In summary, the available evidence is currently insufficient to determine the role of this variant in disease. Therefore, it has been classified as a Variant of Uncertain Significance. Algorithms developed to predict the effect of missense changes on protein structure and function output the following: SIFT: "Not Available"; PolyPhen-2: "Benign"; Align-GVGD: "Not Available". The proline amino acid residue is found in multiple mammalian species, which suggests that this missense change does not adversely affect protein function. ClinVar contains an entry for this variant (Variation ID: 2143057). This variant has not been reported in the literature in individuals affected with RTN2-related conditions. This variant is present in population databases (rs138317158, gnomAD 0.009%). This sequence change replaces leucine, which is neutral and non-polar, with proline, which is neutral and non-polar, at codon 320 of the RTN2 protein (p.Leu320Pro).

NM_005619.5(RTN2):c.959T>C (p.Leu320Pro)

Genes: OPA3-RTN2 (OPA3-RTN2 readthrough; minus strand), RTN2 (reticulon 2; minus strand). Cytogenetic location: 19q13.32.
Variant type: single nucleotide variant.
Coding change: c.959T>C on transcript NM_005619.5 (MANE Select); coding-DNA position 959, T replaced by C.
Protein change: p.Leu320Pro; replaces leucine 320 with proline.
Molecular consequence: missense variant. On other transcripts: 5 prime UTR variant (1), intron variant (1).
Genome position (GRCh38, 1-based): chr19:45,493,234, A>G on the plus strand (T>C on the coding strand, the complement: RTN2 is on the minus strand). VCF-style: chr19-45493234-A-G. GRCh37 (hg19) VCF-style: chr19-45996492-A-G.
Other names: c.-62T>C (NM_206901.3); c.814+932T>C (NM_206900.3); c.959T>C (NM_005619.3); short protein forms L320P.
Identifiers: ClinVar variation 2143057 (VCV002143057.5), dbSNP rs138317158, ClinGen allele CA9516118.